The following is an entry in ClinVar:

ClinVar aggregate classification (germline): Benign/Likely benign. Review status: criteria provided, multiple submitters, no conflicts (2 of 4 stars). 5 submissions from 5 submitters: Benign (1); Likely benign (4). Last evaluated 2025-10-29.

Conditions:
Hereditary cancer-predisposing syndrome. Also called: Tumor predisposition; Neoplastic Syndromes, Hereditary; Hereditary neoplastic syndrome; Hereditary Cancer Syndrome. Identifiers: Orphanet 140162, MedGen C0027672, MeSH D009386, MONDO:0015356.
Familial adenomatous polyposis 1 (FAP1). Also called: FAMILIAL ADENOMATOUS POLYPOSIS 1, ATTENUATED; POLYPOSIS, ADENOMATOUS INTESTINAL. Identifiers: MedGen C2713442, MONDO:0021056, OMIM 175100. Disease mechanism: loss of function.

Allele frequency attached by ClinVar (database versions not stated): gnomAD exomes below 0.00001.
gnomAD v4.1: 5 of 1,613,080 alleles (0.00031%); highest among the groups gnomAD compares: South Asian, 0.0011%; no homozygotes.

Submissions (5):

Labcorp Genetics (formerly Invitae), Labcorp
Classification: Likely benign for Familial adenomatous polyposis 1. Last evaluated: 2025-10-29. Review status: criteria provided, single submitter. Criteria: Invitae Variant Classification Sherloc (09022015). Collection method: clinical testing. Allele origin: germline.

Myriad Genetics, Inc.
Classification: Benign for Familial adenomatous polyposis 1. Last evaluated: 2024-02-26. Review status: criteria provided, single submitter. Criteria: Myriad Autosomal Dominant, Autosomal Recessive and X-Linked Classification Criteria (2023). Collection method: clinical testing. Allele origin: unknown.
Comment: This variant is considered benign. This variant is a silent/synonymous amino acid change and it is not expected to impact splicing.

GeneDx
Classification: Likely benign. Last evaluated: 2021-06-03. Review status: criteria provided, single submitter. Criteria: GeneDx Variant Classification Process June 2021. Collection method: clinical testing. Allele origin: germline. Affected: yes.
Comment: This variant is associated with the following publications: (PMID: 27535533)

Ambry Genetics
Classification: Likely benign for Hereditary cancer-predisposing syndrome. Last evaluated: 2020-06-25. Review status: criteria provided, single submitter. Criteria: Ambry Variant Classification Scheme 2023. Collection method: clinical testing. Allele origin: germline.

Color Diagnostics, LLC DBA Color Health
Classification: Likely benign for Hereditary cancer-predisposing syndrome. Last evaluated: 2016-10-05. Review status: criteria provided, single submitter. Criteria: ACMG Guidelines, 2015. Collection method: clinical testing. Allele origin: germline.

NM_000038.6(APC):c.609A>G (p.Gln203=)

Gene: APC (APC regulator of Wnt signaling pathway; plus strand). Cytogenetic location: 5q22.2.
Variant type: single nucleotide variant.
Coding change: c.609A>G on transcript NM_000038.6 (MANE Select); coding-DNA position 609, A replaced by G.
Protein change: p.Gln203=; no amino-acid change (glutamine 203 retained).
Molecular consequence: synonymous variant. On other transcripts: 5 prime UTR variant (1).
Genome position (GRCh38, 1-based): chr5:112,780,867, A>G. VCF-style: chr5-112780867-A-G. GRCh37 (hg19) VCF-style: chr5-112116564-A-G.
Other names: c.609A>G, p.Gln203= (NM_001127510.3, NM_001354895.2, NM_001354896.2 and 2 more transcripts); c.639A>G, p.Gln213= (NM_001127511.3, NM_001354897.2, NM_001354902.2); c.534A>G, p.Gln178= (NM_001354898.2, NM_001354904.2); c.432A>G, p.Gln144= (NM_001354900.2, NM_001354901.2, NM_001354905.2); c.-427A>G (NM_001354906.2).
Identifiers: ClinVar variation 416723 (VCV000416723.19), dbSNP rs1060504874, ClinGen allele CA16611614.